The following is an entry in ClinVar:

ClinVar aggregate classification (germline): Conflicting classifications of pathogenicity. Review status: criteria provided, conflicting classifications (1 of 4 stars). 7 submissions from 7 submitters: Uncertain significance (1); Likely benign (4). 2 of the submissions do not count toward it. Last evaluated 2026-06-01.

Conditions:
Autosomal recessive limb-girdle muscular dystrophy type 2Q (LGMDR17). Also called: MUSCULAR DYSTROPHY, LIMB-GIRDLE, AUTOSOMAL RECESSIVE 17. Identifiers: Orphanet 254361, MedGen C3150989, MONDO:0013390, OMIM 613723.
Epidermolysis bullosa simplex with nail dystrophy (EBS5D). Identifiers: MedGen C4225309, MONDO:0014661, OMIM 616487.
Epidermolysis bullosa simplex 5C, with pyloric atresia (EBS5C). Also called: PLEC-Related Epidermolysis Bullosa with Pyloric Atresia; PLEC1-Related Epidermolysis Bullosa with Pyloric Atresia; Epidermolysis bullosa simplex with pyloric atresia. Identifiers: Orphanet 158684, MedGen C2677349, MONDO:0012807, OMIM 612138.
Epidermolysis bullosa simplex, Ogna type (EBS5A). Also called: Pidermolysis bullosa simplex 5A, Ogna type; EPIDERMOLYSIS BULLOSA SIMPLEX 5A, OGNA TYPE. Identifiers: Orphanet 79401, MedGen C0432317, MONDO:0007555, OMIM 131950.
Epidermolysis bullosa simplex 5B, with muscular dystrophy (EBS5B). Also called: Epidermolysis bullosa simplex with muscular dystrophy; EPIDERMOLYSIS BULLOSA SIMPLEX AND LIMB-GIRDLE MUSCULAR DYSTROPHY. Identifiers: Orphanet 257, MedGen C2931072, MONDO:0009181, OMIM 226670.

Allele frequency attached by ClinVar (database versions not stated): TOPMed 0.00135.
gnomAD v4.1: 1,055 of 1,598,556 alleles (0.066%); highest among the groups gnomAD compares: Middle Eastern, 0.49%; 3 homozygotes.

Submissions (7):

CeGaT Center for Human Genetics Tuebingen
Classification: Likely benign. Last evaluated: 2026-06-01. Review status: criteria provided, single submitter. Criteria: CeGaT Center For Human Genetics Tuebingen Variant Classification Criteria Version 2. Collection method: clinical testing. Allele origin: germline. Affected: yes. Observed: 12 variant alleles.
Comment: PLEC: BP4, BP7

Labcorp Genetics (formerly Invitae), Labcorp
Classification: Likely benign for Autosomal recessive limb-girdle muscular dystrophy type 2Q; Epidermolysis bullosa simplex, Ogna type; Epidermolysis bullosa simplex with nail dystrophy; Epidermolysis bullosa simplex 5C, with pyloric atresia; Epidermolysis bullosa simplex 5B, with muscular dystrophy. Last evaluated: 2026-01-21. Review status: criteria provided, single submitter. Criteria: Invitae Variant Classification Sherloc (09022015). Collection method: clinical testing. Allele origin: germline.

Blueprint Genetics
Classification: Likely benign. Last evaluated: 2024-09-30. Review status: criteria provided, single submitter. Criteria: ACMG Guidelines, 2015. Collection method: clinical testing. Allele origin: germline.

GeneDx
Classification: Likely benign. Last evaluated: 2019-10-08. Review status: criteria provided, single submitter. Criteria: GeneDx Variant Classification Process June 2021. Collection method: clinical testing. Allele origin: germline. Affected: yes.

Eurofins Ntd Llc (ga)
Classification: Uncertain significance. Last evaluated: 2018-06-21. Review status: criteria provided, single submitter. Criteria: EGL ClinVar v180209 classification definitions. Collection method: clinical testing. Allele origin: germline. Observed: 13 variant alleles, 13 heterozygotes.

Clinical Genetics DNA and cytogenetics Diagnostics Lab, Erasmus MC, Erasmus Medical Center
Classification: Likely benign. Review status: no assertion criteria provided. Collection method: clinical testing. Allele origin: germline. Affected: yes. Study: VKGL Data-share Consensus. Not counted in ClinVar's aggregate classification.

Diagnostic Laboratory, Department of Genetics, University Medical Center Groningen
Classification: Likely benign. Review status: no assertion criteria provided. Collection method: clinical testing. Allele origin: germline. Affected: yes. Study: VKGL Data-share Consensus. Not counted in ClinVar's aggregate classification.

NM_201384.3(PLEC):c.13479G>A (p.Ser4493=)

Gene: PLEC (plectin; minus strand). Cytogenetic location: 8q24.3.
Variant type: single nucleotide variant.
Coding change: c.13479G>A on transcript NM_201384.3 (MANE Select); coding-DNA position 13479, G replaced by A.
Protein change: p.Ser4493=; no amino-acid change (serine 4493 retained).
Molecular consequence: synonymous variant.
Genome position (GRCh38, 1-based): chr8:143,916,342, C>T on the plus strand (G>A on the coding strand, the complement: PLEC is on the minus strand). VCF-style: chr8-143916342-C-T. GRCh37 (hg19) VCF-style: chr8-144990510-C-T.
Other names: c.13560G>A, p.Ser4520= (NM_000445.5); c.13437G>A, p.Ser4479= (NM_201378.4); c.13413G>A, p.Ser4471= (NM_201379.3); c.13890G>A, p.Ser4630= (NM_201380.4); c.13383G>A, p.Ser4461= (NM_201381.3); c.13479G>A, p.Ser4493= (NM_201382.4); c.13491G>A, p.Ser4497= (NM_201383.3).
Identifiers: ClinVar variation 285010 (VCV000285010.94), dbSNP rs781929758, ClinGen allele CA4923790.